The following is an entry in ClinVar:

ClinVar aggregate classification (germline): Conflicting classifications of pathogenicity. Review status: criteria provided, conflicting classifications (1 of 4 stars). 2 submissions from 2 submitters: Uncertain significance (1); Benign (1). Last evaluated 2025-12-13.

Conditions:
Hereditary hemorrhagic telangiectasia (HHT). Also called: ORW DISEASE; Osler Weber Rendu syndrome; OSLER-RENDU-WEBER DISEASE; Osler hemorrhagic telangiectasia syndrome. Identifiers: Orphanet 774, MedGen C0039445, MONDO:0019180. Disease mechanism: loss of function.
Cardiovascular phenotype. Identifiers: MedGen CN230736.

Allele frequency attached by ClinVar (database versions not stated): gnomAD 0.00001; gnomAD exomes 0.00001; TOPMed 0.00001.
gnomAD v4.1: 11 of 1,613,768 alleles (0.00068%); highest among the groups gnomAD compares: African/African-American, 0.0013%; no homozygotes.

Submissions (2):

Ambry Genetics
Classification: Uncertain significance for Cardiovascular phenotype. Last evaluated: 2025-12-13. Review status: criteria provided, single submitter. Criteria: Ambry Variant Classification Scheme 2023. Collection method: clinical testing. Allele origin: germline.
Comment: The p.D366G variant (also known as c.1097A>G), located in coding exon 8 of the ENG gene, results from an A to G substitution at nucleotide position 1097. The aspartic acid at codon 366 is replaced by glycine, an amino acid with similar properties. This amino acid position is conserved. In addition, this alteration is predicted to be tolerated by in silico analysis. Based on the available evidence, the clinical significance of this variant remains unclear.

Labcorp Genetics (formerly Invitae), Labcorp
Classification: Benign for Hereditary hemorrhagic telangiectasia. Last evaluated: 2025-12-03. Review status: criteria provided, single submitter. Criteria: Invitae Variant Classification Sherloc (09022015). Collection method: clinical testing. Allele origin: germline.

NM_001114753.3(ENG):c.1097A>G (p.Asp366Gly)

Gene: ENG (endoglin; minus strand). Cytogenetic location: 9q34.11.
Variant type: single nucleotide variant.
Coding change: c.1097A>G on transcript NM_001114753.3 (MANE Select); coding-DNA position 1097, A replaced by G.
Protein change: p.Asp366Gly; replaces aspartic acid 366 with glycine.
Molecular consequence: missense variant.
Genome position (GRCh38, 1-based): chr9:127,824,341, T>C on the plus strand (A>G on the coding strand, the complement: ENG is on the minus strand). VCF-style: chr9-127824341-T-C. GRCh37 (hg19) VCF-style: chr9-130586620-T-C.
Other names: c.1097A>G (NM_001114753.1); c.1097A>G, p.Asp366Gly (NM_000118.4, NM_001406715.1); c.551A>G, p.Asp184Gly (NM_001278138.2); short protein forms D366G, D184G.
Identifiers: ClinVar variation 1422090 (VCV001422090.10), dbSNP rs932659087, ClinGen allele CA200312607.
Genomic context (GRCh38, chr9:127,824,341, plus strand): 5'-CAGAGGGGCAGGAGTTCCCTTACCGCAACAAGCTCTTTCTTTAGTACCAGGGTCATGGCG[T>C]CGTCGGCACACTTTGTCTGGATCAAGGACATGAGCAGCTCCGGGCTACAAGTGTCCTTGG-3'
Protein context (NP_001108225.1, residues 356-376): MSLIQTKCAD[Asp366Gly]AMTLVLKKEL